The following is an entry in ClinVar:

ClinVar aggregate classification (germline): Likely pathogenic (1 of 4 stars; one submission).

Conditions:
Hereditary antithrombin deficiency (AT3D). Also called: Antithrombin deficiency; Reduced antithrombin III activity; Antithrombin III deficiency; Thrombophilia due to antithrombin III deficiency. Identifiers: Orphanet 82, MedGen C0272375, MONDO:0013144, OMIM 613118, HP:0001976.

Allele frequency attached by ClinVar (database versions not stated): gnomAD exomes below 0.00001.
gnomAD v4.1: 1 of 1,614,166 alleles (0.000062%); highest among the groups gnomAD compares: Non-Finnish European, 0.000085%; no homozygotes.

Submission:

Labcorp Genetics (formerly Invitae), Labcorp
Classification: Likely pathogenic for Hereditary antithrombin deficiency. Last evaluated: 2025-12-01. Review status: criteria provided, single submitter. Criteria: Invitae Variant Classification Sherloc (09022015). Collection method: clinical testing. Allele origin: germline.
Comment: This sequence change replaces phenylalanine, which is neutral and non-polar, with leucine, which is neutral and non-polar, at codon 434 of the SERPINC1 protein (p.Phe434Leu). This variant is not present in population databases (gnomAD no frequency). This missense change has been observed in individuals with antithrombin III deficiency (PMID: 1469094, 7863481; internal data). This variant is also known as p.Phe402Leu and Maisons-Laffitte. ClinVar contains an entry for this variant (Variation ID: 2202884). Invitae Evidence Modeling of protein sequence and biophysical properties (such as structural, functional, and spatial information, amino acid conservation, physicochemical variation, residue mobility, and thermodynamic stability) has been performed for this missense variant. However, the output from this modeling did not meet the statistical confidence thresholds required to predict the impact of this variant on SERPINC1 protein function. This variant disrupts the p.Phe434 amino acid residue in SERPINC1. Other variant(s) that disrupt this residue have been observed in individuals with SERPINC1-related conditions (PMID: 1469094, 29153735), which suggests that this may be a clinically significant amino acid residue. In summary, the currently available evidence indicates that the variant is pathogenic, but additional data are needed to prove that conclusively. Therefore, this variant has been classified as Likely Pathogenic.

Literature cited by the submitters: PubMed 1469094; PubMed 7863481; PubMed 29153735.

NM_000488.4(SERPINC1):c.1302C>A (p.Phe434Leu)

Gene: SERPINC1 (serpin family C member 1; minus strand). Cytogenetic location: 1q25.1.
Variant type: single nucleotide variant.
Coding change: c.1302C>A on transcript NM_000488.4 (MANE Select); coding-DNA position 1302, C replaced by A.
Protein change: p.Phe434Leu; replaces phenylalanine 434 with leucine.
Molecular consequence: missense variant.
Genome position (GRCh38, 1-based): chr1:173,903,982, G>T on the plus strand (C>A on the coding strand, the complement: SERPINC1 is on the minus strand). VCF-style: chr1-173903982-G-T. GRCh37 (hg19) VCF-style: chr1-173873120-G-T.
Other names: c.1158C>A, p.Phe386Leu (NM_001365052.2); c.1425C>A, p.Phe475Leu (NM_001386302.1); c.1383C>A, p.Phe461Leu (NM_001386303.1); c.1281C>A, p.Phe427Leu (NM_001386304.1); c.1245C>A, p.Phe415Leu (NM_001386305.1); c.1086C>A, p.Phe362Leu (NM_001386306.1); short protein forms F461L, F415L, F434L, F427L, F362L, F386L, F475L.
Identifiers: ClinVar variation 2202884 (VCV002202884.4), dbSNP rs2526542785, ClinGen allele CA343772447.